The following is an entry in ClinVar:

ClinVar aggregate classification (germline): Benign/Likely benign. Review status: criteria provided, multiple submitters, no conflicts (2 of 4 stars). 3 submissions from 3 submitters: Benign (1); Likely benign (2). Last evaluated 2025-03-04.

Conditions:
Hereditary cancer-predisposing syndrome. Also called: Hereditary Cancer Syndrome; Neoplastic Syndromes, Hereditary; Tumor predisposition; Hereditary neoplastic syndrome. Identifiers: Orphanet 140162, MedGen C0027672, MeSH D009386, MONDO:0015356.
Familial cancer of breast. Also called: BREAST CANCER, FAMILIAL; Hereditary breast cancer; hereditary breast carcinoma. Identifiers: Orphanet 227535, MedGen C0346153, MONDO:0016419, OMIM 114480. Disease mechanism: loss of function.

Allele frequency attached by ClinVar (database versions not stated): gnomAD exomes below 0.00001.

Submissions (3):

Center for Genomic Medicine, Rigshospitalet, Copenhagen University Hospital
Classification: Likely benign. Last evaluated: 2025-03-04. Review status: criteria provided, single submitter. Criteria: ACMG Guidelines, 2015. Collection method: clinical testing. Allele origin: germline.

Myriad Genetics, Inc.
Classification: Benign for Familial cancer of breast. Last evaluated: 2025-01-13. Review status: criteria provided, single submitter. Criteria: Myriad Autosomal Dominant, Autosomal Recessive and X-Linked Classification Criteria (2023). Collection method: clinical testing. Allele origin: unknown.
Comment: This variant is considered benign. This variant is a silent/synonymous amino acid change and it is not expected to impact splicing.

Ambry Genetics
Classification: Likely benign for Hereditary cancer-predisposing syndrome. Last evaluated: 2016-09-08. Review status: criteria provided, single submitter. Criteria: Ambry Variant Classification Scheme 2023. Collection method: clinical testing. Allele origin: germline.

NM_024675.4(PALB2):c.1476G>T (p.Gly492=)

Gene: PALB2 (partner and localizer of BRCA2; minus strand). Cytogenetic location: 16p12.2.
Variant type: single nucleotide variant.
Coding change: c.1476G>T on transcript NM_024675.4 (MANE Select); coding-DNA position 1476, G replaced by T.
Protein change: p.Gly492=; no amino-acid change (glycine 492 retained).
Molecular consequence: synonymous variant.
Genome position (GRCh38, 1-based): chr16:23,635,070, C>A on the plus strand (G>T on the coding strand, the complement: PALB2 is on the minus strand). VCF-style: chr16-23635070-C-A. GRCh37 (hg19) VCF-style: chr16-23646391-C-A.
Identifiers: ClinVar variation 480264 (VCV000480264.12), dbSNP rs1555461264, ClinGen allele CA494461428.